The following is an entry in ClinVar:

NM_001711.6(BGN):c.733G>A (p.Glu245Lys)

Gene: BGN (biglycan; plus strand). Cytogenetic location: Xq28.
Variant type: single nucleotide variant.
Coding change: c.733G>A on transcript NM_001711.6 (MANE Select); coding-DNA position 733, G replaced by A.
Protein change: p.Glu245Lys; replaces glutamic acid 245 with lysine.
Molecular consequence: missense variant.
Genome position (GRCh38, 1-based): chrX:153,506,886, G>A. VCF-style: chrX-153506886-G-A. GRCh37 (hg19) VCF-style: chrX-152772344-G-A.
Other names: c.733G>A (NM_001711.4); short protein forms E245K.
Identifiers: ClinVar variation 1901798 (VCV001901798.6), dbSNP rs2089804663, ClinGen allele CA415071202.
Genomic context (GRCh38, chrX:153,506,886, plus strand): 5'-GCAGACCTCCCTGAGACCCTGAATGAACTCCACCTAGACCACAACAAAATCCAGGCCATC[G>A]AACTGGAGGACCTGCTTCGCTACTCCAAGCTGTACAGGTGAGGCCAGCAGGGCACCGCCC-3'
Protein context (NP_001702.1, residues 235-255): HLDHNKIQAI[Glu245Lys]LEDLLRYSKL

ClinVar aggregate classification (germline): Uncertain significance. Review status: criteria provided, multiple submitters, no conflicts (2 of 4 stars). 2 submissions from 2 submitters: Uncertain significance (2). Last evaluated 2024-08-31.

Conditions:
Cardiovascular phenotype. Identifiers: MedGen CN230736.

Allele frequency attached by ClinVar (database versions not stated): gnomAD exomes 0.00001.
gnomAD v4.1: 13 of 1,211,532 alleles (0.0011%); highest among the groups gnomAD compares: Non-Finnish European, 0.001%; no homozygotes.

Submissions (2):

Ambry Genetics
Classification: Uncertain significance for Cardiovascular phenotype. Last evaluated: 2024-08-31. Review status: criteria provided, single submitter. Criteria: Ambry Variant Classification Scheme 2023. Collection method: clinical testing. Allele origin: germline.
Comment: The p.E245K variant (also known as c.733G>A), located in coding exon 5 of the BGN gene, results from a G to A substitution at nucleotide position 733. The glutamic acid at codon 245 is replaced by lysine, an amino acid with similar properties. This amino acid position is conserved. In addition, the in silico prediction for this alteration is inconclusive. Based on the available evidence, the clinical significance of this variant remains unclear.

Labcorp Genetics (formerly Invitae), Labcorp
Classification: Uncertain significance. Last evaluated: 2022-06-13. Review status: criteria provided, single submitter. Criteria: Invitae Variant Classification Sherloc (09022015). Collection method: clinical testing. Allele origin: germline.
Comment: Algorithms developed to predict the effect of missense changes on protein structure and function are either unavailable or do not agree on the potential impact of this missense change (SIFT: "Not Available"; PolyPhen-2: "Benign"; Align-GVGD: "Not Available"). In summary, the available evidence is currently insufficient to determine the role of this variant in disease. Therefore, it has been classified as a Variant of Uncertain Significance. This variant has not been reported in the literature in individuals affected with BGN-related conditions. This sequence change replaces glutamic acid, which is acidic and polar, with lysine, which is basic and polar, at codon 245 of the BGN protein (p.Glu245Lys). This variant is not present in population databases (gnomAD no frequency).